The following is an entry in ClinVar:

ClinVar aggregate classification (germline): Likely benign (1 of 4 stars; one submission).

Conditions:
Acrodysostosis 2 with or without hormone resistance. Also called: ACRODYSOSTOSIS 2 WITH HORMONE RESISTANCE; ACRODYSOSTOSIS 2 WITHOUT HORMONE RESISTANCE. Identifiers: Orphanet 280651, MedGen C3553250, MONDO:0013822, OMIM 614613.

Allele frequency attached by ClinVar (database versions not stated): gnomAD 0.00048 and 0.00050; 1000 Genomes Project 30x 0.00062; TOPMed 0.00064; 1000 Genomes Project 0.00080.
gnomAD v4.1: 74 of 152,188 alleles (0.049%); highest among the groups gnomAD compares: African/African-American, 0.16%; no homozygotes.

Submission:

Illumina Laboratory Services, Illumina
Classification: Likely benign for Acrodysostosis 2 with or without hormone resistance. Last evaluated: 2018-01-13. Review status: criteria provided, single submitter. Criteria: ICSL Variant Classification Criteria 13 December 2019. Collection method: clinical testing. Allele origin: germline.
Comment: This variant was observed in the ICSL laboratory as part of a predisposition screen in an ostensibly healthy population. It had not been previously curated by ICSL or reported in the Human Gene Mutation Database (HGMD: prior to June 1st, 2018), and was therefore a candidate for classification through an automated scoring system. Utilizing variant allele frequency, disease prevalence and penetrance estimates, and inheritance mode, an automated score was calculated to assess if this variant is too frequent to cause the disease. Based on the score and internal cut-off values, a variant classified as likely benign is not then subjected to further curation. The score for this variant resulted in a classification of likely benign for this disease.

NM_001104631.2(PDE4D):c.*4675G>A

Gene: PDE4D (phosphodiesterase 4D; minus strand). Cytogenetic location: 5q11.2.
Variant type: single nucleotide variant.
Coding change: c.*4675G>A on transcript NM_001104631.2 (MANE Select); 4675 bases downstream of the stop codon, G replaced by A.
Molecular consequence: 3 prime UTR variant.
Genome position (GRCh38, 1-based): chr5:58,969,989, C>T on the plus strand (G>A on the coding strand, the complement: PDE4D is on the minus strand). VCF-style: chr5-58969989-C-T. GRCh37 (hg19) VCF-style: chr5-58265816-C-T.
Other names: c.*4675G>A (NM_001165899.2, NM_001197218.2, NM_001197219.2 and 11 more transcripts).
Identifiers: ClinVar variation 353918 (VCV000353918.5), dbSNP rs536451907, ClinGen allele CA10624990.